The following is an entry in ClinVar:

ClinVar aggregate classification (germline): Benign. Review status: criteria provided, multiple submitters, no conflicts (2 of 4 stars). 2 submissions from 2 submitters: Benign (2). Last evaluated 2018-01-13.

Conditions:
Epidermolysis bullosa simplex due to plakophilin deficiency. Also called: MCGRATH SYNDROME. Identifiers: Orphanet 158668, MedGen C1858302, MONDO:0011472, OMIM 604536.

Allele frequency attached by ClinVar (database versions not stated): TOPMed 0.77992; 1000 Genomes Project 30x 0.79247; 1000 Genomes Project 0.80132; gnomAD exomes 0.90000.
gnomAD v4.1: 120,652 of 152,122 alleles (79%); highest among the groups gnomAD compares: East Asian, 91%; 49,361 homozygotes.

Submissions (2):

Illumina Laboratory Services, Illumina
Classification: Benign for Epidermolysis bullosa simplex due to plakophilin deficiency. Last evaluated: 2018-01-13. Review status: criteria provided, single submitter. Criteria: ICSL Variant Classification Criteria 13 December 2019. Collection method: clinical testing. Allele origin: germline.
Comment: This variant was observed in the ICSL laboratory as part of a predisposition screen in an ostensibly healthy population. It had not been previously curated by ICSL or reported in the Human Gene Mutation Database (HGMD: prior to June 1st, 2018), and was therefore a candidate for classification through an automated scoring system. Utilizing variant allele frequency, disease prevalence and penetrance estimates, and inheritance mode, an automated score was calculated to assess if this variant is too frequent to cause the disease. Based on the score and internal cut-off values, a variant classified as benign is not then subjected to further curation. The score for this variant resulted in a classification of benign for this disease.

Breakthrough Genomics
Classification: Benign. Review status: criteria provided, single submitter. Criteria: ACMG Guidelines, 2015. Collection method: not provided. Allele origin: germline. Inheritance: Autosomal recessive inheritance. Affected: yes.

NM_001005337.3(PKP1):c.*616A>C

Gene: PKP1 (plakophilin 1; plus strand). Cytogenetic location: 1q32.1.
Variant type: single nucleotide variant.
Coding change: c.*616A>C on transcript NM_001005337.3 (MANE Select); 616 bases downstream of the stop codon, A replaced by C.
Molecular consequence: 3 prime UTR variant.
Genome position (GRCh38, 1-based): chr1:201,330,657, A>C. VCF-style: chr1-201330657-A-C. GRCh37 (hg19) VCF-style: chr1-201299785-A-C.
Other names: c.*616A>C (NM_000299.4).
Identifiers: ClinVar variation 294847 (VCV000294847.6), dbSNP rs2365648, ClinGen allele CA10608754.
Genomic context (GRCh38, chr1:201,330,657, plus strand): 5'-AGGCTTCCTACCAGTGGTCTCCAGGGGTGCAGGAGTAACTGGGGCTGGGCCAGCCTCCCC[A>C]CTTACAAGGCTGCTTTCCAGGAAGGGAGGTCTGGTGTATCTCATGGGAGAATCTGGGGTG-3'